The following is an entry in ClinVar:

ClinVar aggregate classification (germline): Uncertain significance (1 of 4 stars; one submission).

Allele frequency attached by ClinVar (database versions not stated): TOPMed below 0.00001.

Submission:

GeneDx
Classification: Uncertain significance. Last evaluated: 2025-01-02. Review status: criteria provided, single submitter. Criteria: GeneDx Variant Classification Process June 2021. Collection method: clinical testing. Allele origin: germline.
Comment: Not observed at significant frequency in large population cohorts (gnomAD); In silico analysis supports that this missense variant has a deleterious effect on protein structure/function; Has not been previously published as pathogenic or benign to our knowledge

NM_007118.4(TRIO):c.3473G>A (p.Gly1158Asp)

Gene: TRIO (trio Rho guanine nucleotide exchange factor; plus strand). Cytogenetic location: 5p15.2.
Variant type: single nucleotide variant.
Coding change: c.3473G>A on transcript NM_007118.4 (MANE Select); coding-DNA position 3473, G replaced by A.
Protein change: p.Gly1158Asp; replaces glycine 1158 with aspartic acid.
Molecular consequence: missense variant. On other transcripts: non-coding transcript variant (1).
Genome position (GRCh38, 1-based): chr5:14,381,155, G>A. VCF-style: chr5-14381155-G-A. GRCh37 (hg19) VCF-style: chr5-14381264-G-A.
Other names: short protein forms G1158D.
Identifiers: ClinVar variation 2499775 (VCV002499775.2), dbSNP rs1746067377, ClinGen allele CA359222703.
Genomic context (GRCh38, chr5:14,381,155, plus strand): 5'-AGCCCTCTGACTCCATTCATTCCTTCCCCTTCCAGGCTTTGGAATGGATCCATGACAATG[G>A]CGAGTTCTACCTTTCCACACACACCTCCACGGGCTCCAGTATACAGCACACCCAGGAGCT-3'
Protein context (NP_009049.2, residues 1148-1168): KQALEWIHDN[Gly1158Asp]EFYLSTHTST